The following is an entry in ClinVar:

NM_182919.4(TICAM1):c.379T>C (p.Ser127Pro)

Gene: TICAM1 (TIR domain containing adaptor molecule 1; minus strand). Cytogenetic location: 19p13.3.
Variant type: single nucleotide variant.
Coding change: c.379T>C on transcript NM_182919.4 (MANE Select); coding-DNA position 379, T replaced by C.
Protein change: p.Ser127Pro; replaces serine 127 with proline.
Molecular consequence: missense variant. On other transcripts: intron variant (1).
Genome position (GRCh38, 1-based): chr19:4,817,999, A>G on the plus strand (T>C on the coding strand, the complement: TICAM1 is on the minus strand). VCF-style: chr19-4817999-A-G. GRCh37 (hg19) VCF-style: chr19-4818011-A-G.
Other names: c.337T>C, p.Ser113Pro (NM_001385678.1); c.244T>C, p.Ser82Pro (NM_001385679.1); c.-71-193T>C (NM_001385680.1); short protein forms S113P, S82P, S127P.
Identifiers: ClinVar variation 2001858 (VCV002001858.4), dbSNP rs2512400082, ClinGen allele CA403492797.

ClinVar aggregate classification (germline): Uncertain significance (1 of 4 stars; one submission).

Conditions:
Encephalopathy, acute, infection-induced (herpes-specific), susceptibility to, 6. Also called: Herpes simplex encephalitis, susceptibility to, 4. Identifiers: Orphanet 1930, MedGen C3553869, MONDO:0013921, OMIM 614850.

Submission:

Labcorp Genetics (formerly Invitae), Labcorp
Classification: Uncertain significance for Encephalopathy, acute, infection-induced (herpes-specific), susceptibility to, 6. Last evaluated: 2022-06-01. Review status: criteria provided, single submitter. Criteria: Invitae Variant Classification Sherloc (09022015). Collection method: clinical testing. Allele origin: germline.
Comment: This variant has not been reported in the literature in individuals affected with TICAM1-related conditions. In summary, the available evidence is currently insufficient to determine the role of this variant in disease. Therefore, it has been classified as a Variant of Uncertain Significance. Algorithms developed to predict the effect of missense changes on protein structure and function (SIFT, PolyPhen-2, Align-GVGD) all suggest that this variant is likely to be tolerated. This variant is not present in population databases (gnomAD no frequency). This sequence change replaces serine, which is neutral and polar, with proline, which is neutral and non-polar, at codon 127 of the TICAM1 protein (p.Ser127Pro).